The following is an entry in ClinVar:

ClinVar aggregate classification (germline): Uncertain significance (1 of 4 stars; one submission).

gnomAD v4.1: 1 of 1,614,100 alleles (0.000062%); highest among the groups gnomAD compares: Non-Finnish European, 0.000085%; no homozygotes.

Submission:

GeneDx
Classification: Uncertain significance. Last evaluated: 2023-11-09. Review status: criteria provided, single submitter. Criteria: GeneDx Variant Classification Process June 2021. Collection method: clinical testing. Allele origin: germline. Affected: yes.
Comment: Not observed at significant frequency in large population cohorts (gnomAD); In silico analysis supports that this missense variant does not alter protein structure/function; Has not been previously published as pathogenic or benign to our knowledge

NM_000138.5(FBN1):c.2857A>G (p.Ile953Val)

Gene: FBN1 (fibrillin 1; minus strand). Cytogenetic location: 15q21.1.
Variant type: single nucleotide variant.
Coding change: c.2857A>G on transcript NM_000138.5 (MANE Select); coding-DNA position 2857, A replaced by G.
Protein change: p.Ile953Val; replaces isoleucine 953 with valine.
Molecular consequence: missense variant.
Genome position (GRCh38, 1-based): chr15:48,490,076, T>C on the plus strand (A>G on the coding strand, the complement: FBN1 is on the minus strand). VCF-style: chr15-48490076-T-C. GRCh37 (hg19) VCF-style: chr15-48782273-T-C.
Other names: c.2857A>G, p.Ile953Val (NM_001406716.1); short protein forms I953V.
Identifiers: ClinVar variation 3364149 (VCV003364149.1).